The following is an entry in ClinVar:

ClinVar aggregate classification (germline): Uncertain significance (1 of 4 stars; one submission).

Allele frequency attached by ClinVar (database versions not stated): gnomAD 0.00001; TOPMed 0.00001; gnomAD exomes 0.00003.
gnomAD v4.1: 43 of 1,377,050 alleles (0.0031%); highest among the groups gnomAD compares: Non-Finnish European, 0.0041%; no homozygotes.

Submission:

GeneDx
Classification: Uncertain significance. Last evaluated: 2022-05-06. Review status: criteria provided, single submitter. Criteria: GeneDx Variant Classification Process June 2021. Collection method: clinical testing. Allele origin: germline. Affected: yes.
Comment: In silico analysis supports that this missense variant does not alter protein structure/function; Has not been previously published as pathogenic or benign to our knowledge

NM_170682.4(P2RX2):c.58G>A (p.Gly20Ser)

Gene: P2RX2 (purinergic receptor P2X 2; plus strand). Cytogenetic location: 12q24.33.
Variant type: single nucleotide variant.
Coding change: c.58G>A on transcript NM_170682.4 (MANE Select); coding-DNA position 58, G replaced by A.
Protein change: p.Gly20Ser; replaces glycine 20 with serine.
Molecular consequence: missense variant.
Genome position (GRCh38, 1-based): chr12:132,618,874, G>A. VCF-style: chr12-132618874-G-A. GRCh37 (hg19) VCF-style: chr12-133195460-G-A.
Other names: c.58G>A, p.Gly20Ser (NM_001282164.2, NM_001282165.2, NM_012226.5 and 4 more transcripts); short protein forms G20S.
Identifiers: ClinVar variation 1723646 (VCV001723646.2), dbSNP rs1232778680, ClinGen allele CA387356652.